The following is an entry in ClinVar:

NM_007194.4(CHEK2):c.473C>G (p.Ala158Gly)

Gene: CHEK2 (checkpoint kinase 2; minus strand). Cytogenetic location: 22q12.1.
Variant type: single nucleotide variant.
Coding change: c.473C>G on transcript NM_007194.4 (MANE Select); coding-DNA position 473, C replaced by G.
Protein change: p.Ala158Gly; replaces alanine 158 with glycine.
Molecular consequence: missense variant. On other transcripts: 5 prime UTR variant (2), intron variant (1).
Genome position (GRCh38, 1-based): chr22:28,725,096, G>C on the plus strand (C>G on the coding strand, the complement: CHEK2 is on the minus strand). VCF-style: chr22-28725096-G-C. GRCh37 (hg19) VCF-style: chr22-29121084-G-C.
Other names: c.602C>G, p.Ala201Gly (NM_001005735.3, NM_001438294.1); c.-305C>G (NM_001257387.3); c.-191C>G (NM_001437942.1); c.566C>G, p.Ala189Gly (NM_001438293.1, NM_001438295.1); c.473C>G, p.Ala158Gly (NM_145862.3); c.444+147C>G (NM_001349956.3); short protein forms A158G, A201G, A189G.
Identifiers: ClinVar variation 947678 (VCV000947678.10), dbSNP rs864622351, ClinGen allele CA411107639.

ClinVar aggregate classification (germline): Uncertain significance (1 of 4 stars; one submission).

Conditions:
Familial cancer of breast. Also called: Hereditary breast cancer; hereditary breast carcinoma; BREAST CANCER, FAMILIAL. Identifiers: Orphanet 227535, MedGen C0346153, MONDO:0016419, OMIM 114480. Disease mechanism: loss of function.

Submission:

Labcorp Genetics (formerly Invitae), Labcorp
Classification: Uncertain significance for Familial cancer of breast. Last evaluated: 2019-04-04. Review status: criteria provided, single submitter. Criteria: Invitae Variant Classification Sherloc (09022015). Collection method: clinical testing. Allele origin: germline.
Comment: This sequence change replaces alanine with glycine at codon 158 of the CHEK2 protein (p.Ala158Gly). The alanine residue is moderately conserved and there is a small physicochemical difference between alanine and glycine. This variant is not present in population databases (ExAC no frequency). This variant has not been reported in the literature in individuals with CHEK2-related conditions. Algorithms developed to predict the effect of missense changes on protein structure and function are either unavailable or do not agree on the potential impact of this missense change (SIFT: "Deleterious"; PolyPhen-2: "Possibly Damaging"; Align-GVGD: "Class C0"). In summary, the available evidence is currently insufficient to determine the role of this variant in disease. Therefore, it has been classified as a Variant of Uncertain Significance.